The following is an entry in ClinVar:

NM_017654.4(SAMD9):c.164T>C (p.Val55Ala)

Gene: SAMD9 (sterile alpha motif domain containing 9; minus strand). Cytogenetic location: 7q21.2.
Variant type: single nucleotide variant.
Coding change: c.164T>C on transcript NM_017654.4 (MANE Select); coding-DNA position 164, T replaced by C.
Protein change: p.Val55Ala; replaces valine 55 with alanine.
Molecular consequence: missense variant.
Genome position (GRCh38, 1-based): chr7:93,105,934, A>G on the plus strand (T>C on the coding strand, the complement: SAMD9 is on the minus strand). VCF-style: chr7-93105934-A-G. GRCh37 (hg19) VCF-style: chr7-92735247-A-G.
Other names: c.164T>C, p.Val55Ala (NM_001193307.2); short protein forms V55A.
Identifiers: ClinVar variation 4159209 (VCV004159209.2).

ClinVar aggregate classification (germline): Uncertain significance. Review status: criteria provided, multiple submitters, no conflicts (2 of 4 stars). 2 submissions from 2 submitters: Uncertain significance (2). Last evaluated 2025-11-11.

Conditions:
Inborn genetic diseases. Identifiers: MedGen C0950123, MeSH D030342.

Submissions (2):

Labcorp Genetics (formerly Invitae), Labcorp
Classification: Uncertain significance. Last evaluated: 2025-11-11. Review status: criteria provided, single submitter. Criteria: Invitae Variant Classification Sherloc (09022015). Collection method: clinical testing. Allele origin: germline.
Comment: This sequence change replaces valine, which is neutral and non-polar, with alanine, which is neutral and non-polar, at codon 55 of the SAMD9 protein (p.Val55Ala). This variant is not present in population databases (gnomAD no frequency). This variant has not been reported in the literature in individuals affected with SAMD9-related conditions. ClinVar contains an entry for this variant (Variation ID: 4159209). Invitae Evidence Modeling of protein sequence and biophysical properties (such as structural, functional, and spatial information, amino acid conservation, physicochemical variation, residue mobility, and thermodynamic stability) indicates that this missense variant is not expected to disrupt SAMD9 protein function with a negative predictive value of 95%. In summary, the available evidence is currently insufficient to determine the role of this variant in disease. Therefore, it has been classified as a Variant of Uncertain Significance.

Ambry Genetics
Classification: Uncertain significance for Inborn genetic diseases. Last evaluated: 2025-09-02. Review status: criteria provided, single submitter. Criteria: Ambry Variant Classification Scheme 2023. Collection method: clinical testing. Allele origin: germline.
Comment: The p.V55A variant (also known as c.164T>C), located in coding exon 1 of the SAMD9 gene, results from a T to C substitution at nucleotide position 164. The valine at codon 55 is replaced by alanine, an amino acid with similar properties. This amino acid position is conserved. In addition, this alteration is predicted to be tolerated by in silico analysis. Based on the available evidence, the clinical significance of this variant remains unclear.